The following is an entry in ClinVar:

NM_000282.4(PCCA):c.1910A>G (p.Asn637Ser)

Gene: PCCA (propionyl-CoA carboxylase subunit alpha; plus strand). Cytogenetic location: 13q32.3.
Variant type: single nucleotide variant.
Coding change: c.1910A>G on transcript NM_000282.4 (MANE Select); coding-DNA position 1910, A replaced by G.
Protein change: p.Asn637Ser; replaces asparagine 637 with serine.
Molecular consequence: missense variant. On other transcripts: non-coding transcript variant (4), intron variant (2).
Genome position (GRCh38, 1-based): chr13:100,515,437, A>G. VCF-style: chr13-100515437-A-G. GRCh37 (hg19) VCF-style: chr13-101167691-A-G.
Other names: c.1832A>G, p.Asn611Ser (NM_001127692.3); c.1856A>G, p.Asn619Ser (NM_001352605.2); c.1766A>G, p.Asn589Ser (NM_001352606.2); c.1688A>G, p.Asn563Ser (NM_001352608.2); c.965A>G, p.Asn322Ser (NM_001352610.2); c.911A>G, p.Asn304Ser (NM_001352611.2); c.821A>G, p.Asn274Ser (NM_001352612.2); c.1900-12238A>G (NM_001178004.2); and 1 more; short protein forms N589S, N322S, N563S, N637S, N274S, N304S, N611S, N619S.
Identifiers: ClinVar variation 1396769 (VCV001396769.3), dbSNP rs149772960, ClinGen allele CA7033847.

ClinVar aggregate classification (germline): Uncertain significance (1 of 4 stars; one submission).

Conditions:
Propionic acidemia (PROP). Also called: GLYCINEMIA, KETOTIC; HYPERGLYCINEMIA WITH KETOACIDOSIS AND LEUKOPENIA; KETOTIC HYPERGLYCINEMIA. Identifiers: Orphanet 35, MedGen C0268579, MONDO:0011628, OMIM 606054, HP:0003571.

Allele frequency attached by ClinVar (database versions not stated): gnomAD 0.00001; TOPMed 0.00001; 1000 Genomes Project 30x 0.00016; 1000 Genomes Project 0.00020.
gnomAD v4.1: 4 of 1,614,158 alleles (0.00025%); highest among the groups gnomAD compares: African/African-American, 0.0027%; no homozygotes.

Submission:

Labcorp Genetics (formerly Invitae), Labcorp
Classification: Uncertain significance for Propionic acidemia. Last evaluated: 2021-11-16. Review status: criteria provided, single submitter. Criteria: Invitae Variant Classification Sherloc (09022015). Collection method: clinical testing. Allele origin: germline.
Comment: This sequence change replaces asparagine, which is neutral and polar, with serine, which is neutral and polar, at codon 637 of the PCCA protein (p.Asn637Ser). This variant is present in population databases (rs149772960, gnomAD 0.007%). This variant has not been reported in the literature in individuals affected with PCCA-related conditions. Advanced modeling of protein sequence and biophysical properties (such as structural, functional, and spatial information, amino acid conservation, physicochemical variation, residue mobility, and thermodynamic stability) performed at Invitae indicates that this missense variant is not expected to disrupt PCCA protein function. Algorithms developed to predict the effect of sequence changes on RNA splicing suggest that this variant may create or strengthen a splice site. In summary, the available evidence is currently insufficient to determine the role of this variant in disease. Therefore, it has been classified as a Variant of Uncertain Significance.